The following is an entry in ClinVar:

ClinVar aggregate classification (germline): Likely pathogenic. Review status: criteria provided, multiple submitters, no conflicts (2 of 4 stars). 2 submissions from 2 submitters: Likely pathogenic (2). Last evaluated 2021-09-06.

Conditions:
Glycosylphosphatidylinositol biosynthesis defect 15. Also called: DEVELOPMENTAL DELAY, EPILEPSY, CEREBELLAR ATROPHY, AND OSTEOPENIA. Identifiers: Orphanet 529665, MedGen C4540520, MONDO:0060627, OMIM 617810.
GPAA1-related disorders.

gnomAD v4.1: 18 of 1,612,092 alleles (0.0011%); highest among the groups gnomAD compares: East Asian, 0.038%; no homozygotes.

Submissions (2):

Blueprint Genetics
Classification: Likely pathogenic for GPAA1-related disorders. Last evaluated: 2021-09-06. Review status: criteria provided, single submitter. Criteria: ACMG Guidelines, 2015. Collection method: clinical testing. Allele origin: germline. Affected: yes. Observed: 2 variant alleles.

Juno Genomics, Hangzhou Juno Genomics, Inc
Classification: Likely pathogenic for Glycosylphosphatidylinositol biosynthesis defect 15. Review status: criteria provided, single submitter. Criteria: ACMG Guidelines, 2015. Collection method: clinical testing. Allele origin: germline.
Comment: Null variant in a gene where loss of function (LOF) is a known mechanism of disease.;Absent from controls (or at extremely low frequency if recessive) in Genome Aggregation Database.

NM_003801.4(GPAA1):c.831G>A (p.Trp277Ter)

Gene: GPAA1 (glycosylphosphatidylinositol anchor attachment 1; plus strand). Cytogenetic location: 8q24.3.
Variant type: single nucleotide variant.
Coding change: c.831G>A on transcript NM_003801.4 (MANE Select); coding-DNA position 831, G replaced by A.
Protein change: p.Trp277Ter; replaces tryptophan 277 with a stop codon.
Molecular consequence: nonsense.
Genome position (GRCh38, 1-based): chr8:144,084,430, G>A. VCF-style: chr8-144084430-G-A. GRCh37 (hg19) VCF-style: chr8-145139333-G-A.
Other names: short protein forms W277*.
Identifiers: ClinVar variation 4902062 (VCV004902062.3).
Genomic context (GRCh38, chr8:144,084,430, plus strand): 5'-GTCTGTGGGAGGGGCTGTCTCATCCTGTCCTGCACCTCTAAAGCTGCAGCCCGAGGACTG[G>A]ACATCATTGGATGGACCGCTGCAGGGCCTGCAGACACTGCTGCTCATGGTTCTGCGGCAG-3'